The following is an entry in ClinVar:

NM_001077525.3(MTMR14):c.1370C>T (p.Thr457Ile)

Gene: MTMR14 (myotubularin related protein 14; plus strand). Cytogenetic location: 3p25.3.
Variant type: single nucleotide variant.
Coding change: c.1370C>T on transcript NM_001077525.3 (MANE Select); coding-DNA position 1370, C replaced by T.
Protein change: p.Thr457Ile; replaces threonine 457 with isoleucine.
Molecular consequence: missense variant. On other transcripts: non-coding transcript variant (9).
Genome position (GRCh38, 1-based): chr3:9,689,019, C>T. VCF-style: chr3-9689019-C-T. GRCh37 (hg19) VCF-style: chr3-9730703-C-T.
Other names: c.1370C>T, p.Thr457Ile (NM_001077526.3, NM_022485.5); c.1439C>T, p.Thr480Ile (NM_001400518.1, NM_001400521.1); c.1367C>T, p.Thr456Ile (NM_001400519.1, NM_001400522.1); c.1295C>T, p.Thr432Ile (NM_001400520.1, NM_001400523.1, NM_001400528.1); c.1124C>T, p.Thr375Ile (NM_001400524.1, NM_001400527.1, NM_001400530.1); c.1088C>T, p.Thr363Ile (NM_001400525.1, NM_001400529.1, NM_001400532.1); c.1049C>T, p.Thr350Ile (NM_001400536.1); c.1013C>T, p.Thr338Ile (NM_001400537.1); and 5 more; short protein forms T363I, T374I, T170I, T243I, T455I, T338I, T350I, T432I.
Identifiers: ClinVar variation 2715220 (VCV002715220.3), dbSNP rs2076055604, ClinGen allele CA351699107.

ClinVar aggregate classification (germline): Uncertain significance (1 of 4 stars; one submission).

gnomAD v4.1: 1 of 1,613,950 alleles (0.000062%); no homozygotes.

Submission:

Labcorp Genetics (formerly Invitae), Labcorp
Classification: Uncertain significance. Last evaluated: 2024-01-06. Review status: criteria provided, single submitter. Criteria: Invitae Variant Classification Sherloc (09022015). Collection method: clinical testing. Allele origin: germline.
Comment: This sequence change replaces threonine, which is neutral and polar, with isoleucine, which is neutral and non-polar, at codon 457 of the MTMR14 protein (p.Thr457Ile). This variant is not present in population databases (gnomAD no frequency). This variant has not been reported in the literature in individuals affected with MTMR14-related conditions. Advanced modeling of protein sequence and biophysical properties (such as structural, functional, and spatial information, amino acid conservation, physicochemical variation, residue mobility, and thermodynamic stability) performed at Invitae indicates that this missense variant is not expected to disrupt MTMR14 protein function with a negative predictive value of 80%. In summary, the available evidence is currently insufficient to determine the role of this variant in disease. Therefore, it has been classified as a Variant of Uncertain Significance.